The following is an entry in ClinVar:

ClinVar aggregate classification (germline): Uncertain significance. Review status: criteria provided, multiple submitters, no conflicts (2 of 4 stars). 3 submissions from 3 submitters: Uncertain significance (3). Last evaluated 2023-10-15.

Conditions:
Inborn genetic diseases. Identifiers: MedGen C0950123, MeSH D030342.
Cortical dysplasia-focal epilepsy syndrome (PTHSL1). Also called: Pitt-Hopkins-like syndrome 1. Identifiers: Orphanet 163681, Orphanet 221150, MedGen C2750246, MONDO:0012400, OMIM 610042.

Allele frequency attached by ClinVar (database versions not stated): gnomAD exomes below 0.00001 and 0.00002; gnomAD 0.00001; ExAC 0.00003.
gnomAD v4.1: 6 of 1,613,874 alleles (0.00037%); highest among the groups gnomAD compares: Non-Finnish European, 0.00042%; no homozygotes.

Submissions (3):

Labcorp Genetics (formerly Invitae), Labcorp
Classification: Uncertain significance for Cortical dysplasia-focal epilepsy syndrome. Last evaluated: 2023-10-15. Review status: criteria provided, single submitter. Criteria: Invitae Variant Classification Sherloc (09022015). Collection method: clinical testing. Allele origin: germline.
Comment: This sequence change replaces tyrosine, which is neutral and polar, with histidine, which is basic and polar, at codon 741 of the CNTNAP2 protein (p.Tyr741His). This variant is present in population databases (rs762079391, gnomAD 0.004%). This variant has not been reported in the literature in individuals affected with CNTNAP2-related conditions. ClinVar contains an entry for this variant (Variation ID: 1211487). An algorithm developed to predict the effect of missense changes on protein structure and function (PolyPhen-2) suggests that this variant¬†is likely to be tolerated. In summary, the available evidence is currently insufficient to determine the role of this variant in disease. Therefore, it has been classified as a Variant of Uncertain Significance.

Ambry Genetics
Classification: Uncertain significance for Inborn genetic diseases. Last evaluated: 2023-08-15. Review status: criteria provided, single submitter. Criteria: Ambry Variant Classification Scheme 2023. Collection method: clinical testing. Allele origin: germline.

GeneDx
Classification: Uncertain significance. Last evaluated: 2020-03-11. Review status: criteria provided, single submitter. Criteria: GeneDx Variant Classification Process June 2021. Collection method: clinical testing. Allele origin: germline. Affected: yes.
Comment: Not observed at a significant frequency in large population cohorts (Lek et al., 2016); In silico analysis, which includes protein predictors and evolutionary conservation, supports that this variant does not alter protein structure/function; Has not been previously published as pathogenic or benign to our knowledge

NM_014141.6(CNTNAP2):c.2221T>C (p.Tyr741His)

Gene: CNTNAP2 (contactin associated protein 2; plus strand). Cytogenetic location: 7q35.
Variant type: single nucleotide variant.
Coding change: c.2221T>C on transcript NM_014141.6 (MANE Select); coding-DNA position 2221, T replaced by C.
Protein change: p.Tyr741His; replaces tyrosine 741 with histidine.
Molecular consequence: missense variant.
Genome position (GRCh38, 1-based): chr7:147,903,687, T>C. VCF-style: chr7-147903687-T-C. GRCh37 (hg19) VCF-style: chr7-147600779-T-C.
Other names: short protein forms Y741H.
Identifiers: ClinVar variation 1211487 (VCV001211487.9), dbSNP rs762079391, ClinGen allele CA4546332.
Genomic context (GRCh38, chr7:147,903,687, plus strand): 5'-TCTGGGCCTGGAATCCAGAAATGTGCCTGCGGCATCGAACGCAACTGCACAGATCCCAAG[T>C]ACTACTGTAACTGCGACGCGGACTACAAGCAATGGTGAGTGCCTGCGGGCAGCACAGCCA-3'
Protein context (NP_054860.1, residues 731-751): GIERNCTDPK[Tyr741His]YCNCDADYKQ